The following is an entry in ClinVar:

ClinVar aggregate classification (germline): Conflicting classifications of pathogenicity. Review status: criteria provided, conflicting classifications (1 of 4 stars). 5 submissions from 5 submitters: Pathogenic (1); Likely pathogenic (3); Uncertain significance (1). Last evaluated 2026-01-11.

Conditions:
Glycogen storage disease type X (GSD10). Also called: GSD X; Dimauro disease; MYOPATHY DUE TO PHOSPHOGLYCERATE MUTASE DEFICIENCY; PGAMM DEFICIENCY; PHOSPHOGLYCERATE MUTASE, MUSCLE, DEFICIENCY OF; Glycogen storage disease due to phosphoglycerate mutase deficiency. Identifiers: Orphanet 97234, MedGen C0268149, MONDO:0009865, OMIM 261670.

Submissions (5):

Labcorp Genetics (formerly Invitae), Labcorp
Classification: Pathogenic for Glycogen storage disease type X. Last evaluated: 2026-01-11. Review status: criteria provided, single submitter. Criteria: Invitae Variant Classification Sherloc (09022015). Collection method: clinical testing. Allele origin: germline.
Comment: This sequence change creates a premature translational stop signal (p.Gly178Alafs*31) in the PGAM2 gene. While this is not anticipated to result in nonsense mediated decay, it is expected to disrupt the last 76 amino acid(s) of the PGAM2 protein. This variant is present in population databases (rs747947171, gnomAD 0.007%). This premature translational stop signal has been observed in individual(s) with clinical features of glycogen storage disease (PMID: 19783439, 30310767). This variant is also known as 19783439, 33727708. ClinVar contains an entry for this variant (Variation ID: 587530). This variant disrupts a region of the PGAM2 protein in which other variant(s) (p.Met230Hisfs*6) have been observed in individuals with PGAM2-related conditions (PMID: 34237446). This suggests that this is a clinically significant region of the protein, and that variants that disrupt it are likely to be disease-causing. For these reasons, this variant has been classified as Pathogenic.

GeneDx
Classification: Likely pathogenic. Last evaluated: 2025-04-09. Review status: criteria provided, single submitter. Criteria: GeneDx Variant Classification Process June 2021. Collection method: clinical testing. Allele origin: germline. Affected: yes.
Comment: Not observed at significant frequency in large population cohorts (gnomAD); Frameshift variant predicted to result in abnormal protein length as the last 76 amino acids are replaced with 30 different amino acids, and other similar variants have been reported in HGMD; This variant is associated with the following publications: (PMID: 29382405, 34426522, 31589614, 37510298, 33727708, 30310767)

Blueprint Genetics
Classification: Uncertain significance. Last evaluated: 2024-10-07. Review status: criteria provided, single submitter. Criteria: ACMG Guidelines, 2015. Collection method: clinical testing. Allele origin: germline.

Department of Pathology and Laboratory Medicine, Sinai Health System
Classification: Likely pathogenic for glycogen storage disease due to phosphoglycerate mutase deficiency. Last evaluated: 2023-04-24. Review status: criteria provided, single submitter. Criteria: ACMG Guidelines, 2015. Collection method: research. Allele origin: germline.

Genomic Research Center, Shahid Beheshti University of Medical Sciences
Classification: Likely pathogenic for Glycogen storage disease type X. Last evaluated: 2018-08-07. Review status: criteria provided, single submitter. Criteria: ACMG Guidelines, 2015. Collection method: clinical testing. Allele origin: inherited. Affected: yes. Observed: 1 variant allele.

Literature cited by the submitters: PubMed 19783439 (cited by Labcorp Genetics (formerly Invitae), Labcorp); PubMed 30310767 (cited by Labcorp Genetics (formerly Invitae), Labcorp); PubMed 34237446 (cited by Labcorp Genetics (formerly Invitae), Labcorp).

NM_000290.4(PGAM2):c.533del (p.Gly178fs)

Genes: PGAM2 (phosphoglycerate mutase 2; minus strand), DBNL (drebrin like; plus strand). Cytogenetic location: 7p13.
Variant type: Deletion.
Coding change: c.533del on transcript NM_000290.4 (MANE Select); coding-DNA position 533, one base deleted (G; older notation c.533delG).
Protein change: p.Gly178fs; shifts the reading frame from glycine 178.
Molecular consequence: frameshift variant. On other transcripts: 3 prime UTR variant (6).
Genome position (GRCh38, 1-based): chr7:44,064,894, C deleted on the plus strand (G on the coding strand, the reverse complement: PGAM2 is on the minus strand); the first of 2 consecutive C bases (chr7:44,064,894-44,064,895); deleting either gives the same sequence. VCF-style (leftmost placement, unchanged base first): chr7-44064893-GC-G. GRCh37 (hg19) VCF-style: chr7-44104492-GC-G.
Other names: c.533del (NM_000290.3); c.533delG (NM_000290.3); c.*3979del (NM_001014436.3, NM_001122956.2, NM_001284313.2 and 3 more transcripts); short protein forms G178fs.
Identifiers: ClinVar variation 587530 (VCV000587530.14), dbSNP rs747947171, ClinGen allele CA4236540.
Genomic context (GRCh38, chr7:44,064,893, plus strand): 5'-TTCCAGGTGCTTGACAATGCCCCGCAGGCTGTTCCCGTGGGCTGCAATGAGCACTCGCTT[GC>G]CGGCCTTGATCTGGGGAACAATCTCCTCGTTCCAGAAGGGCAGGGCCCGGGCAATGGTGT-3'